The following is an entry in ClinVar:

NM_001972.4(ELANE):c.129C>A (p.Phe43Leu)

Gene: ELANE (elastase, neutrophil expressed; plus strand). Cytogenetic location: 19p13.3.
Variant type: single nucleotide variant.
Coding change: c.129C>A on transcript NM_001972.4 (MANE Select); coding-DNA position 129, C replaced by A.
Protein change: p.Phe43Leu; replaces phenylalanine 43 with leucine.
Molecular consequence: missense variant.
Genome position (GRCh38, 1-based): chr19:852,937, C>A. VCF-style: chr19-852937-C-A. GRCh37 (hg19) VCF-style: chr19-852937-C-A.
Other names: short protein forms F43L.
Identifiers: ClinVar variation 3774937 (VCV003774937.1).
Genomic context (GRCh38, chr19:852,937, plus strand): 5'-CACCGCGCTGGCCTCGGAGATTGTGGGGGGCCGGCGAGCGCGGCCCCACGCGTGGCCCTT[C>A]ATGGTGTCCCTGCAGCTGCGCGGAGGCCACTTCTGCGGCGCCACCCTGATTGCGCCCAAC-3'
Protein context (NP_001963.1, residues 33-53): GRRARPHAWP[Phe43Leu]MVSLQLRGGH

ClinVar aggregate classification (germline): Likely pathogenic (1 of 4 stars; one submission).

Submission:

GeneDx
Classification: Likely pathogenic. Last evaluated: 2024-09-30. Review status: criteria provided, single submitter. Criteria: GeneDx Variant Classification Process June 2021. Collection method: clinical testing. Allele origin: germline. Affected: yes.
Comment: Not observed at significant frequency in large population cohorts (gnomAD); In silico analysis supports that this missense variant has a deleterious effect on protein structure/function; Also known as p.F14L; This variant is associated with the following publications: (PMID: 14962902, 34340247)